The following is an entry in ClinVar:

NM_005544.3(IRS1):c.1440C>T (p.Asn480=)

Gene: IRS1 (insulin receptor substrate 1; minus strand). Cytogenetic location: 2q36.3.
Variant type: single nucleotide variant.
Coding change: c.1440C>T on transcript NM_005544.3 (MANE Select); coding-DNA position 1440, C replaced by T.
Protein change: p.Asn480=; no amino-acid change (asparagine 480 retained).
Molecular consequence: synonymous variant.
Genome position (GRCh38, 1-based): chr2:226,797,299, G>A on the plus strand (C>T on the coding strand, the complement: IRS1 is on the minus strand). VCF-style: chr2-226797299-G-A. GRCh37 (hg19) VCF-style: chr2-227662015-G-A.
Identifiers: ClinVar variation 781954 (VCV000781954.8), dbSNP rs79966905, ClinGen allele CA2143323.

ClinVar aggregate classification (germline): Benign/Likely benign. Review status: criteria provided, multiple submitters, no conflicts (2 of 4 stars). 3 submissions from 3 submitters: Benign (1); Likely benign (2). Last evaluated 2026-03-01.

Allele frequency attached by ClinVar (database versions not stated): 1000 Genomes Project 30x 0.00062; ESP Exome Variant Server 0.00069; TOPMed 0.00104; gnomAD 0.00111.
gnomAD v4.1: 2,472 of 1,613,546 alleles (0.15%); highest among the groups gnomAD compares: Non-Finnish European, 0.18%; 4 homozygotes.

Submissions (3):

CeGaT Center for Human Genetics Tuebingen
Classification: Likely benign. Last evaluated: 2026-03-01. Review status: criteria provided, single submitter. Criteria: CeGaT Center For Human Genetics Tuebingen Variant Classification Criteria Version 2. Collection method: clinical testing. Allele origin: germline. Affected: yes. Observed: 1 variant allele.
Comment: IRS1: BP4, BP7

Blueprint Genetics
Classification: Likely benign. Last evaluated: 2024-11-24. Review status: criteria provided, single submitter. Criteria: ACMG Guidelines, 2015. Collection method: clinical testing. Allele origin: germline.

Labcorp Genetics (formerly Invitae), Labcorp
Classification: Benign. Last evaluated: 2018-08-08. Review status: criteria provided, single submitter. Criteria: Invitae Variant Classification Sherloc (09022015). Collection method: clinical testing. Allele origin: germline.